The following is an entry in ClinVar:

NM_030962.4(SBF2):c.1054-11T>C

Gene: SBF2 (SET binding factor 2; minus strand). Cytogenetic location: 11p15.4.
Variant type: single nucleotide variant.
Coding change: c.1054-11T>C on transcript NM_030962.4 (MANE Select); 11 bases into the intron before coding-DNA position 1054, T replaced by C.
Molecular consequence: intron variant.
Genome position (GRCh38, 1-based): chr11:9,993,114, A>G on the plus strand (T>C on the coding strand, the complement: SBF2 is on the minus strand). VCF-style: chr11-9993114-A-G. GRCh37 (hg19) VCF-style: chr11-10014661-A-G.
Other names: c.1054-11T>C (NM_001386342.1, NM_001386339.1).
Identifiers: ClinVar variation 511686 (VCV000511686.1), dbSNP rs1554976748, ClinGen allele CA658797591.

ClinVar aggregate classification (germline): Likely benign (1 of 4 stars; one submission).

Allele frequency attached by ClinVar (database versions not stated): gnomAD exomes below 0.00001.
gnomAD v4.1: 1 of 1,578,068 alleles (0.000063%); highest among the groups gnomAD compares: Non-Finnish European, 0.000087%; no homozygotes.

Submission:

GeneDx
Classification: Likely benign. Last evaluated: 2017-08-25. Review status: criteria provided, single submitter. Criteria: GeneDx Variant Classification (06012015). Collection method: clinical testing. Allele origin: germline. Affected: yes.
Comment: This variant is considered likely benign or benign based on one or more of the following criteria: it is a conservative change, it occurs at a poorly conserved position in the protein, it is predicted to be benign by multiple in silico algorithms, and/or has population frequency not consistent with disease.